The following is an entry in ClinVar:

ClinVar aggregate classification (germline): Uncertain significance. Review status: criteria provided, multiple submitters, no conflicts (2 of 4 stars). 5 submissions from 5 submitters: Uncertain significance (5). Last evaluated 2025-01-07.

Conditions:
Retinitis pigmentosa 1 (RP1). Identifiers: Orphanet 791, MedGen C0220701, MONDO:0008377, OMIM 180100.
Inborn genetic diseases. Identifiers: MedGen C0950123, MeSH D030342.

Allele frequency attached by ClinVar (database versions not stated): ExAC 0.00005; gnomAD exomes 0.00001 and 0.00003; gnomAD 0.00010 and 0.00011; 1000 Genomes Project 0.00020; TOPMed 0.00012; 1000 Genomes Project 30x 0.00016.
gnomAD v4.1: 36 of 1,614,050 alleles (0.0022%); highest among the groups gnomAD compares: African/African-American, 0.029%; no homozygotes.

Submissions (5):

Labcorp Genetics (formerly Invitae), Labcorp
Classification: Uncertain significance. Last evaluated: 2025-01-07. Review status: criteria provided, single submitter. Criteria: Invitae Variant Classification Sherloc (09022015). Collection method: clinical testing. Allele origin: germline.
Comment: This sequence change replaces arginine, which is basic and polar, with tryptophan, which is neutral and slightly polar, at codon 1595 of the RP1 protein (p.Arg1595Trp). This variant is present in population databases (rs555883522, gnomAD 0.03%). This missense change has been observed in individuals with inherited retinal dystrophy (internal data). ClinVar contains an entry for this variant (Variation ID: 953818). An algorithm developed to predict the effect of missense changes on protein structure and function (PolyPhen-2) suggests that this variant is likely to be disruptive. In summary, the available evidence is currently insufficient to determine the role of this variant in disease. Therefore, it has been classified as a Variant of Uncertain Significance.

Ambry Genetics
Classification: Uncertain significance for Inborn genetic diseases. Last evaluated: 2024-05-02. Review status: criteria provided, single submitter. Criteria: Ambry Variant Classification Scheme 2023. Collection method: clinical testing. Allele origin: germline.

Blueprint Genetics
Classification: Uncertain significance. Last evaluated: 2023-12-29. Review status: criteria provided, single submitter. Criteria: ACMG Guidelines, 2015. Collection method: clinical testing. Allele origin: germline.

Revvity Omics, Revvity
Classification: Uncertain significance for Retinitis pigmentosa 1. Last evaluated: 2022-03-21. Review status: criteria provided, single submitter. Criteria: ACMG Guidelines, 2015. Collection method: clinical testing. Allele origin: germline.

Breakthrough Genomics
Classification: Uncertain significance. Review status: criteria provided, single submitter. Criteria: ACMG Guidelines, 2015. Collection method: not provided. Allele origin: germline. Inheritance: Autosomal recessive inheritance. Affected: yes.

NM_006269.2(RP1):c.4783C>T (p.Arg1595Trp)

Gene: RP1 (RP1 axonemal microtubule associated; plus strand). Cytogenetic location: 8q12.1.
Variant type: single nucleotide variant.
Coding change: c.4783C>T on transcript NM_006269.2 (MANE Select); coding-DNA position 4783, C replaced by T.
Protein change: p.Arg1595Trp; replaces arginine 1595 with tryptophan.
Molecular consequence: missense variant. On other transcripts: intron variant (1).
Genome position (GRCh38, 1-based): chr8:54,628,665, C>T. VCF-style: chr8-54628665-C-T. GRCh37 (hg19) VCF-style: chr8-55541225-C-T.
Other names: c.787+6377C>T (NM_001375654.1); short protein forms R1595W.
Identifiers: ClinVar variation 953818 (VCV000953818.13), dbSNP rs555883522, ClinGen allele CA4751946.